The following is an entry in ClinVar:

ClinVar aggregate classification (germline): Uncertain significance (1 of 4 stars; one submission).

Conditions:
Periodic fever-infantile enterocolitis-autoinflammatory syndrome. Also called: Autoinflammation with infantile enterocolitis. Identifiers: Orphanet 436166, MedGen C4015067, MONDO:0014472, OMIM 616050.
Familial cold autoinflammatory syndrome 4 (FCAS4). Identifiers: Orphanet 47045, Orphanet 576349, MedGen C4015276, MONDO:0014498, OMIM 616115.

Allele frequency attached by ClinVar (database versions not stated): TOPMed below 0.00001.

Submission:

Labcorp Genetics (formerly Invitae), Labcorp
Classification: Uncertain significance for Periodic fever-infantile enterocolitis-autoinflammatory syndrome; Familial cold autoinflammatory syndrome 4. Last evaluated: 2024-02-17. Review status: criteria provided, single submitter. Criteria: Invitae Variant Classification Sherloc (09022015). Collection method: clinical testing. Allele origin: germline.
Comment: This sequence change replaces valine, which is neutral and non-polar, with alanine, which is neutral and non-polar, at codon 512 of the NLRC4 protein (p.Val512Ala). This variant is not present in population databases (gnomAD no frequency). This variant has not been reported in the literature in individuals affected with NLRC4-related conditions. ClinVar contains an entry for this variant (Variation ID: 1472815). Advanced modeling of protein sequence and biophysical properties (such as structural, functional, and spatial information, amino acid conservation, physicochemical variation, residue mobility, and thermodynamic stability) has been performed at Invitae for this missense variant, however the output from this modeling did not meet the statistical confidence thresholds required to predict the impact of this variant on NLRC4 protein function. In summary, the available evidence is currently insufficient to determine the role of this variant in disease. Therefore, it has been classified as a Variant of Uncertain Significance.

NM_001199138.2(NLRC4):c.1535T>C (p.Val512Ala)

Gene: NLRC4 (NLR family CARD domain containing 4; minus strand). Cytogenetic location: 2p22.3.
Variant type: single nucleotide variant.
Coding change: c.1535T>C on transcript NM_001199138.2 (MANE Select); coding-DNA position 1535, T replaced by C.
Protein change: p.Val512Ala; replaces valine 512 with alanine.
Molecular consequence: missense variant. On other transcripts: intron variant (1).
Genome position (GRCh38, 1-based): chr2:32,250,329, A>G on the plus strand (T>C on the coding strand, the complement: NLRC4 is on the minus strand). VCF-style: chr2-32250329-A-G. GRCh37 (hg19) VCF-style: chr2-32475398-A-G.
Other names: c.1535T>C, p.Val512Ala (NM_001199139.2, NM_021209.5); c.262+2090T>C (NM_001302504.1); short protein forms V512A.
Identifiers: ClinVar variation 1472815 (VCV001472815.8), dbSNP rs1687041724, ClinGen allele CA346512257.